The following is an entry in ClinVar:

NM_003954.5(MAP3K14):c.2183C>T (p.Pro728Leu)

Genes: MAP3K14 (mitogen-activated protein kinase kinase kinase 14; minus strand), MAP3K14-AS1 (MAP3K14 antisense RNA 1; plus strand), LOC126862575 (CDK7 strongly-dependent group 2 enhancer GRCh37_chr17:43344006-43345205; plus strand). Cytogenetic location: 17q21.31.
Variant type: single nucleotide variant.
Coding change: c.2183C>T on transcript NM_003954.5 (MANE Select); coding-DNA position 2183, C replaced by T.
Protein change: p.Pro728Leu; replaces proline 728 with leucine.
Molecular consequence: missense variant.
Genome position (GRCh38, 1-based): chr17:45,267,549, G>A on the plus strand (C>T on the coding strand, the complement: MAP3K14 is on the minus strand). VCF-style: chr17-45267549-G-A. GRCh37 (hg19) VCF-style: chr17-43344916-G-A.
Other names: short protein forms P728L.
Identifiers: ClinVar variation 2092486 (VCV002092486.1), dbSNP rs1411377453, ClinGen allele CA399875375.

ClinVar aggregate classification (germline): Uncertain significance (1 of 4 stars; one submission).

Conditions:
NIK deficiency. Also called: Primary immunodeficiency with multifaceted aberrant lymphoid immunity. Identifiers: Orphanet 447731, MedGen C5680065, MONDO:0018642.

Allele frequency attached by ClinVar (database versions not stated): gnomAD exomes below 0.00001; TOPMed 0.00001.
gnomAD v4.1: 4 of 1,613,712 alleles (0.00025%); highest among the groups gnomAD compares: South Asian, 0.0011%; no homozygotes.

Submission:

Labcorp Genetics (formerly Invitae), Labcorp
Classification: Uncertain significance for NIK deficiency. Last evaluated: 2022-02-03. Review status: criteria provided, single submitter. Criteria: Invitae Variant Classification Sherloc (09022015). Collection method: clinical testing. Allele origin: germline.
Comment: This sequence change replaces proline, which is neutral and non-polar, with leucine, which is neutral and non-polar, at codon 728 of the MAP3K14 protein (p.Pro728Leu). This variant is not present in population databases (gnomAD no frequency). This variant has not been reported in the literature in individuals affected with MAP3K14-related conditions. Experimental studies and prediction algorithms are not available or were not evaluated, and the functional significance of this variant is currently unknown. In summary, the available evidence is currently insufficient to determine the role of this variant in disease. Therefore, it has been classified as a Variant of Uncertain Significance.